The following is an entry in ClinVar:

ClinVar aggregate classification (germline): Pathogenic. Review status: criteria provided, multiple submitters, no conflicts (2 of 4 stars). 2 submissions from 2 submitters: Pathogenic (2). Last evaluated 2021-07-15.

Conditions:
Hereditary cancer-predisposing syndrome. Also called: Tumor predisposition; Neoplastic Syndromes, Hereditary; Hereditary Cancer Syndrome; Hereditary neoplastic syndrome. Identifiers: Orphanet 140162, MedGen C0027672, MeSH D009386, MONDO:0015356.
Hereditary breast ovarian cancer syndrome. Also called: Hereditary breast and ovarian cancer; Hereditary breast and ovarian cancer syndrome (HBOC); Breast and ovarian cancer; Hereditary breast and ovarian cancer syndrome; Hereditary breast and/or ovarian cancer syndrome; BRCA1- and BRCA2-Associated Hereditary Breast and Ovarian Cancer. Identifiers: Orphanet 145, MedGen C0677776, MeSH D061325, MONDO:0003582. Disease mechanism: loss of function.

Submissions (2):

Color Diagnostics, LLC DBA Color Health
Classification: Pathogenic for Hereditary cancer-predisposing syndrome. Last evaluated: 2021-07-15. Review status: criteria provided, single submitter. Criteria: ACMG Guidelines, 2015. Collection method: clinical testing. Allele origin: germline.
Comment: This variant deletes 1 nucleotide in exon 14 of the BRCA1 gene, creating a frameshift and premature translation stop signal. This variant is expected to result in an absent or non-functional protein product. To our knowledge, this variant has not been reported in individuals affected with hereditary cancer in the literature. This variant has not been identified in the general population by the Genome Aggregation Database (gnomAD). Loss of BRCA1 function is a known mechanism of disease. Based on the available evidence, this variant is classified as Pathogenic.

Labcorp Genetics (formerly Invitae), Labcorp
Classification: Pathogenic for Hereditary breast ovarian cancer syndrome. Last evaluated: 2020-12-07. Review status: criteria provided, single submitter. Criteria: Invitae Variant Classification Sherloc (09022015). Collection method: clinical testing. Allele origin: germline.
Comment: This sequence change creates a premature translational stop signal (p.Asp1505Glufs*43) in the BRCA1 gene. It is expected to result in an absent or disrupted protein product. Loss-of-function variants in BRCA1 are known to be pathogenic (PMID: 20104584). This variant is not present in population databases (ExAC no frequency). This variant has not been reported in the literature in individuals with BRCA1-related conditions. For these reasons, this variant has been classified as Pathogenic.

Literature cited by the submitters: PubMed 20104584 (cited by Labcorp Genetics (formerly Invitae), Labcorp).

NM_007294.4(BRCA1):c.4515del (p.Asp1505fs)

Gene: BRCA1 (BRCA1 DNA repair associated; minus strand). Cytogenetic location: 17q21.31.
Variant type: Deletion.
Coding change: c.4515del on transcript NM_007294.4 (MANE Select); coding-DNA position 4515, one base deleted (T; older notation c.4515delT).
Protein change: p.Asp1505fs; shifts the reading frame from aspartic acid 1505.
Molecular consequence: frameshift variant. On other transcripts: non-coding transcript variant (1).
Genome position (GRCh38, 1-based): chr17:43,074,491, A deleted on the plus strand (T on the coding strand, the reverse complement: BRCA1 is on the minus strand). VCF-style (leftmost placement, unchanged base first): chr17-43074490-CA-C. GRCh37 (hg19) VCF-style: chr17-41226507-CA-C.
Other names: c.4302delT, p.Asp1434Glufs (NM_001407571.1, NM_001407894.1, NM_001407895.1 and 12 more transcripts); c.4581delT, p.Asp1527Glufs (NM_001407581.1, NM_001407582.1); c.4578delT, p.Asp1526Glufs (NM_001407583.1, NM_001407585.1, NM_001407587.1); c.4575delT, p.Asp1525Glufs (NM_001407590.1, NM_001407591.1); c.4515delT, p.Asp1505Glufs (NM_001407593.1, NM_001407594.1, NM_001407596.1 and 8 more transcripts); c.4512delT, p.Asp1504Glufs (NM_001407610.1, NM_001407611.1, NM_001407612.1 and 17 more transcripts); c.4509delT, p.Asp1503Glufs (NM_001407627.1, NM_001407628.1, NM_001407629.1 and 14 more transcripts); c.4506delT, p.Asp1502Glufs (NM_001407644.1, NM_001407645.1); and 71 more; short protein forms D401fs, D1458fs, D1505fs, D1526fs.
Identifiers: ClinVar variation 1452692 (VCV001452692.9), dbSNP rs2154021596, ClinGen allele CA2573154056.